The following is an entry in ClinVar:

ClinVar aggregate classification (germline): Uncertain significance (1 of 4 stars; one submission).

Allele frequency attached by ClinVar (database versions not stated): TOPMed 0.00001.

Submission:

Labcorp Genetics (formerly Invitae), Labcorp
Classification: Uncertain significance. Last evaluated: 2026-01-19. Review status: criteria provided, single submitter. Criteria: Invitae Variant Classification Sherloc (09022015). Collection method: clinical testing. Allele origin: germline.
Comment: This sequence change replaces aspartic acid, which is acidic and polar, with asparagine, which is neutral and polar, at codon 294 of the RMND1 protein (p.Asp294Asn). This variant is present in population databases (no rsID available, gnomAD 0.003%). This variant has not been reported in the literature in individuals affected with RMND1-related conditions. ClinVar contains an entry for this variant (Variation ID: 1483465). An algorithm developed to predict the effect of missense changes on protein structure and function (PolyPhen-2) suggests that this variant is likely to be disruptive. In summary, the available evidence is currently insufficient to determine the role of this variant in disease. Therefore, it has been classified as a Variant of Uncertain Significance.

NM_017909.4(RMND1):c.880G>A (p.Asp294Asn)

Gene: RMND1 (required for meiotic nuclear division 1 homolog; minus strand). Cytogenetic location: 6q25.1.
Variant type: single nucleotide variant.
Coding change: c.880G>A on transcript NM_017909.4 (MANE Select); coding-DNA position 880, G replaced by A.
Protein change: p.Asp294Asn; replaces aspartic acid 294 with asparagine.
Molecular consequence: missense variant.
Genome position (GRCh38, 1-based): chr6:151,423,582, C>T on the plus strand (G>A on the coding strand, the complement: RMND1 is on the minus strand). VCF-style: chr6-151423582-C-T. GRCh37 (hg19) VCF-style: chr6-151744717-C-T.
Other names: c.370G>A, p.Asp124Asn (NM_001271937.2); short protein forms D294N, D124N.
Identifiers: ClinVar variation 1483465 (VCV001483465.6), dbSNP rs775557356, ClinGen allele CA366060697.